The following is an entry in ClinVar:

ClinVar aggregate classification (germline): Likely pathogenic (1 of 4 stars; one submission).

Conditions:
Cerebral palsy. Identifiers: MedGen C0007789, MONDO:0006497, HP:0100021.

Submission:

Neurogenetics Research Program, University of Adelaide
Classification: Likely pathogenic for Cerebral palsy. Last evaluated: 2021-06-10. Review status: criteria provided, single submitter. Criteria: ACMG Guidelines, 2015. Collection method: research. Allele origin: maternal. Affected: yes. Observed: 1 variant allele.
Comment: C-terminal truncation upstream of reported variants (PMID: 21565291). Early embryonic vascular anomalies and neurological findings reported for ARHGAP31 (PMID: 27270835, PMID: 28160419).

NM_020754.4(ARHGAP31):c.1700del (p.Pro567fs)

Gene: ARHGAP31 (Rho GTPase activating protein 31; plus strand). Cytogenetic location: 3q13.33.
Variant type: Deletion.
Coding change: c.1700del on transcript NM_020754.4 (MANE Select); coding-DNA position 1700, one base deleted (C; older notation c.1700delC).
Protein change: p.Pro567fs; shifts the reading frame from proline 567.
Molecular consequence: frameshift variant.
Genome position (GRCh38, 1-based): chr3:119,409,550, C deleted; the last of 2 consecutive C bases (chr3:119,409,549-119,409,550); deleting either gives the same sequence. VCF-style (leftmost placement, unchanged base first): chr3-119409548-AC-A. GRCh37 (hg19) VCF-style: chr3-119128395-AC-A.
Other names: short protein forms P567fs.
Identifiers: ClinVar variation 1172804 (VCV001172804.1), dbSNP rs2107644554, ClinGen allele CA2573052058.
Genomic context (GRCh38, chr3:119,409,548, plus strand): 5'-CACTGCAGCTTCTGTACCTAAGAAGGCAGGTCTTGAGGATGCCAAGGCAGTACCTGAAGC[AC>A]CGGGGACAGTGGAATGCAGCAAAGGCCTGTCCCAGGAGCCAGGCGCCCACCTGGAGGAGA-3'